The following is an entry in ClinVar:

NM_006341.4(MAD2L2):c.114C>T (p.Pro38=)

Gene: MAD2L2 (mitotic arrest deficient 2 like 2; minus strand). Cytogenetic location: 1p36.22.
Variant type: single nucleotide variant.
Coding change: c.114C>T on transcript NM_006341.4 (MANE Select); coding-DNA position 114, C replaced by T.
Protein change: p.Pro38=; no amino-acid change (proline 38 retained).
Molecular consequence: synonymous variant.
Genome position (GRCh38, 1-based): chr1:11,680,398, G>A on the plus strand (C>T on the coding strand, the complement: MAD2L2 is on the minus strand). VCF-style: chr1-11680398-G-A. GRCh37 (hg19) VCF-style: chr1-11740455-G-A.
Other names: c.114C>T, p.Pro38= (NM_001127325.2); c.114C>T (NM_001127325.1).
Identifiers: ClinVar variation 2070063 (VCV002070063.6), dbSNP rs759283688, ClinGen allele CA593888.

ClinVar aggregate classification (germline): Likely benign. Review status: criteria provided, single submitter (1 of 4 stars). 2 submissions from 2 submitters: Likely benign (1). 1 of the submissions does not count toward it. Last evaluated 2025-09-30.

Conditions:
MAD2L2-related disorder. Also called: MAD2L2-related condition.

Allele frequency attached by ClinVar (database versions not stated): ExAC 0.00002; gnomAD exomes 0.00002; gnomAD 0.00009; TOPMed 0.00012.
gnomAD v4.1: 42 of 1,613,874 alleles (0.0026%); highest among the groups gnomAD compares: African/African-American, 0.043%; no homozygotes.

Submissions (2):

Labcorp Genetics (formerly Invitae), Labcorp
Classification: Likely benign. Last evaluated: 2025-09-30. Review status: criteria provided, single submitter. Criteria: Invitae Variant Classification Sherloc (09022015). Collection method: clinical testing. Allele origin: germline.

PreventionGenetics, part of Exact Sciences
Classification: Likely benign for MAD2L2-related condition. Last evaluated: 2019-06-24. Review status: no assertion criteria provided. Collection method: clinical testing. Allele origin: germline. Not counted in ClinVar's aggregate classification.
Comment: This variant is classified as likely benign based on ACMG/AMP sequence variant interpretation guidelines (Richards et al. 2015 PMID: 25741868, with internal and published modifications).